The following is an entry in ClinVar:

ClinVar aggregate classification (germline): Uncertain significance. Review status: criteria provided, multiple submitters, no conflicts (2 of 4 stars). 3 submissions from 3 submitters: Uncertain significance (3). Last evaluated 2024-09-09.

Conditions:
Hereditary cancer-predisposing syndrome. Also called: Tumor predisposition; Neoplastic Syndromes, Hereditary; Hereditary Cancer Syndrome; Hereditary neoplastic syndrome. Identifiers: Orphanet 140162, MedGen C0027672, MeSH D009386, MONDO:0015356.
Familial melanoma. Also called: Hereditary melanoma; Hereditary cutaneous melanoma. Identifiers: Orphanet 618, MedGen C1512419, MONDO:0018961.

Allele frequency attached by ClinVar (database versions not stated): TOPMed below 0.00001; gnomAD 0.00001.
gnomAD v4.1: 1 of 1,614,114 alleles (0.000062%); highest among the groups gnomAD compares: Admixed American, 0.0017%; no homozygotes.

Submissions (3):

Ambry Genetics
Classification: Uncertain significance for Hereditary cancer-predisposing syndrome. Last evaluated: 2024-09-09. Review status: criteria provided, single submitter. Criteria: Ambry Variant Classification Scheme 2023. Collection method: clinical testing. Allele origin: germline.
Comment: The p.P234S variant (also known as c.700C>T), located in coding exon 6 of the CDK4 gene, results from a C to T substitution at nucleotide position 700. The proline at codon 234 is replaced by serine, an amino acid with similar properties. This amino acid position is well conserved in available vertebrate species. In addition, this alteration is predicted to be tolerated by in silico analysis. Since supporting evidence is limited at this time, the clinical significance of this alteration remains unclear.

Labcorp Genetics (formerly Invitae), Labcorp
Classification: Uncertain significance for Familial melanoma. Last evaluated: 2023-08-09. Review status: criteria provided, single submitter. Criteria: Invitae Variant Classification Sherloc (09022015). Collection method: clinical testing. Allele origin: germline.
Comment: In summary, the available evidence is currently insufficient to determine the role of this variant in disease. Therefore, it has been classified as a Variant of Uncertain Significance. Advanced modeling of protein sequence and biophysical properties (such as structural, functional, and spatial information, amino acid conservation, physicochemical variation, residue mobility, and thermodynamic stability) performed at Invitae indicates that this missense variant is not expected to disrupt CDK4 protein function. ClinVar contains an entry for this variant (Variation ID: 1311210). This variant has not been reported in the literature in individuals affected with CDK4-related conditions. This variant is not present in population databases (gnomAD no frequency). This sequence change replaces proline, which is neutral and non-polar, with serine, which is neutral and polar, at codon 234 of the CDK4 protein (p.Pro234Ser).

GeneDx
Classification: Uncertain significance. Last evaluated: 2019-12-11. Review status: criteria provided, single submitter. Criteria: GeneDx Variant Classification Process June 2021. Collection method: clinical testing. Allele origin: germline. Affected: yes.
Comment: Not observed in large population cohorts (Lek 2016); In silico analysis, which includes protein predictors and evolutionary conservation, supports that this variant does not alter protein structure/function; Has not been previously published as pathogenic or benign to our knowledge

NM_000075.4(CDK4):c.700C>T (p.Pro234Ser)

Genes: TSPAN31 (tetraspanin 31; plus strand), CDK4 (cyclin dependent kinase 4; minus strand). Cytogenetic location: 12q14.1.
Variant type: single nucleotide variant.
Coding change: c.700C>T on transcript NM_000075.4 (MANE Select); coding-DNA position 700, C replaced by T.
Protein change: p.Pro234Ser; replaces proline 234 with serine.
Molecular consequence: missense variant. On other transcripts: 3 prime UTR variant (3).
Genome position (GRCh38, 1-based): chr12:57,749,301, G>A on the plus strand (C>T on the coding strand, the complement: CDK4 is on the minus strand). VCF-style: chr12-57749301-G-A. GRCh37 (hg19) VCF-style: chr12-58143084-G-A.
Other names: c.*2011G>A (NM_001330168.2, NM_001330169.2, NM_005981.5); short protein forms P234S.
Identifiers: ClinVar variation 1311210 (VCV001311210.8), dbSNP rs1474793589, ClinGen allele CA385543665.